The following is an entry in ClinVar:

NM_006941.4(SOX10):c.880G>A (p.Val294Met)

Genes: POLR2F (RNA polymerase II, I and III subunit F; plus strand), SOX10 (SRY-box transcription factor 10; minus strand). Cytogenetic location: 22q13.1.
Variant type: single nucleotide variant.
Coding change: c.880G>A on transcript NM_006941.4 (MANE Select); coding-DNA position 880, G replaced by A.
Protein change: p.Val294Met; replaces valine 294 with methionine.
Molecular consequence: missense variant. On other transcripts: intron variant (3).
Genome position (GRCh38, 1-based): chr22:37,974,016, C>T on the plus strand (G>A on the coding strand, the complement: SOX10 is on the minus strand). VCF-style: chr22-37974016-C-T. GRCh37 (hg19) VCF-style: chr22-38370023-C-T.
Other names: c.*38+1706C>T (NM_001363825.1); c.293+6846C>T (NM_001301130.2, NM_001301131.2); short protein forms V294M.
Identifiers: ClinVar variation 2785194 (VCV002785194.3), dbSNP rs2518042466, ClinGen allele CA411493130.

ClinVar aggregate classification (germline): Uncertain significance (1 of 4 stars; one submission).

Submission:

Labcorp Genetics (formerly Invitae), Labcorp
Classification: Uncertain significance. Last evaluated: 2023-01-03. Review status: criteria provided, single submitter. Criteria: Invitae Variant Classification Sherloc (09022015). Collection method: clinical testing. Allele origin: germline.
Comment: In summary, the available evidence is currently insufficient to determine the role of this variant in disease. Therefore, it has been classified as a Variant of Uncertain Significance. Advanced modeling of protein sequence and biophysical properties (such as structural, functional, and spatial information, amino acid conservation, physicochemical variation, residue mobility, and thermodynamic stability) performed at Invitae indicates that this missense variant is expected to disrupt SOX10 protein function. This variant has not been reported in the literature in individuals affected with SOX10-related conditions. This variant is not present in population databases (gnomAD no frequency). This sequence change replaces valine, which is neutral and non-polar, with methionine, which is neutral and non-polar, at codon 294 of the SOX10 protein (p.Val294Met).